The following is an entry in ClinVar:

ClinVar aggregate classification (germline): Likely benign. Review status: criteria provided, multiple submitters, no conflicts (2 of 4 stars). 2 submissions from 2 submitters: Likely benign (2). Last evaluated 2025-12-16.

Conditions:
FHOD3-related disorder. Also called: FHOD3-related condition.

Submissions (2):

PreventionGenetics, part of Exact Sciences
Classification: Likely benign for FHOD3-related condition. Last evaluated: 2025-12-16. Review status: criteria provided, single submitter. Criteria: ACMG Guidelines, 2015. Collection method: clinical testing. Allele origin: germline.
Comment: This variant is classified as likely benign based on ACMG/AMP sequence variant interpretation guidelines (Richards et al. 2015 PMID: 25741868, with internal and published modifications).

Blueprint Genetics
Classification: Likely benign. Last evaluated: 2024-03-07. Review status: criteria provided, single submitter. Criteria: ACMG Guidelines, 2015. Collection method: clinical testing. Allele origin: germline.

NM_001281740.3(FHOD3):c.576T>A (p.Ile192=)

Gene: FHOD3 (formin homology 2 domain containing 3; plus strand). Cytogenetic location: 18q12.2.
Variant type: single nucleotide variant.
Coding change: c.576T>A on transcript NM_001281740.3 (MANE Select); coding-DNA position 576, T replaced by A.
Protein change: p.Ile192=; no amino-acid change (isoleucine 192 retained).
Molecular consequence: synonymous variant.
Genome position (GRCh38, 1-based): chr18:36,576,515, T>A. VCF-style: chr18-36576515-T-A. GRCh37 (hg19) VCF-style: chr18-34156478-T-A.
Other names: c.576T>A (NM_001281740.2); c.576T>A, p.Ile192= (NM_001281739.3, NM_025135.5).
Identifiers: ClinVar variation 4938713 (VCV004938713.2).